The following is an entry in ClinVar:

NM_198880.3(QRICH1):c.1292dup (p.Pro432fs)

Gene: QRICH1 (glutamine rich 1; minus strand). Cytogenetic location: 3p21.31.
Variant type: Duplication.
Coding change: c.1292dup on transcript NM_198880.3 (MANE Select); coding-DNA position 1292, one base duplicated (C; older notation c.1292dupC).
Protein change: p.Pro432fs; shifts the reading frame from proline 432.
Molecular consequence: frameshift variant.
Genome position (GRCh38, 1-based): chr3:49,056,908, G duplicated on the plus strand (C on the coding strand, the reverse complement: QRICH1 is on the minus strand). VCF-style (leftmost placement, unchanged base first): chr3-49056907-T-TG. GRCh37 (hg19) VCF-style: chr3-49094340-T-TG.
Other names: c.1292dup, p.Pro432fs (NM_001320580.2, NM_001320581.2, NM_001320582.2 and 4 more transcripts); c.1292dupC (NM_017730.2); short protein forms P432fs.
Identifiers: ClinVar variation 1329918 (VCV001329918.4), dbSNP rs2106903309, ClinGen allele CA2573052199.

ClinVar aggregate classification (germline): Pathogenic. Review status: criteria provided, multiple submitters, no conflicts (2 of 4 stars). 2 submissions from 2 submitters: Pathogenic (2). Last evaluated 2021-12-21.

Conditions:
Ververi-Brady syndrome. Identifiers: MedGen C4693824, MONDO:0979877, MONDO:0060707.
Inborn genetic diseases. Identifiers: MedGen C0950123, MeSH D030342.

Submissions (2):

Institute of Human Genetics, University of Leipzig Medical Center
Classification: Pathogenic for Ververi-Brady syndrome 1. Last evaluated: 2021-12-21. Review status: criteria provided, single submitter. Criteria: ACMG Guidelines, 2015. Collection method: research. Allele origin: de novo. Affected: yes.

Ambry Genetics
Classification: Pathogenic for Inborn genetic diseases. Last evaluated: 2021-03-16. Review status: criteria provided, single submitter. Criteria: Ambry Variant Classification Scheme 2023. Collection method: clinical testing. Allele origin: germline.
Comment: The c.1292dupC (p.P432Tfs*23) alteration, located in exon 4 (coding exon 2) of the QRICH1 gene, consists of a duplication of C at position 1292, causing a translational frameshift with a predicted alternate stop codon. This alteration is expected to result in loss of function by premature protein truncation or nonsense-mediated mRNA decay. Based on data from the Genome Aggregation Database (gnomAD), the QRICH1 c.1292dupC alteration was not observed, with coverage at this position. Based on the available evidence, this alteration is classified as pathogenic.

Literature cited by the submitters: PubMed 34859529 (cited by Institute of Human Genetics, University of Leipzig Medical Center).